The following is an entry in ClinVar:

NM_002226.5(JAG2):c.1399G>A (p.Gly467Arg)

Gene: JAG2 (jagged canonical Notch ligand 2; minus strand). Cytogenetic location: 14q32.33.
Variant type: single nucleotide variant.
Coding change: c.1399G>A on transcript NM_002226.5 (MANE Select); coding-DNA position 1399, G replaced by A.
Protein change: p.Gly467Arg; replaces glycine 467 with arginine.
Molecular consequence: missense variant.
Genome position (GRCh38, 1-based): chr14:105,150,894, C>T on the plus strand (G>A on the coding strand, the complement: JAG2 is on the minus strand). VCF-style: chr14-105150894-C-T. GRCh37 (hg19) VCF-style: chr14-105617231-C-T.
Other names: c.1285G>A, p.Gly429Arg (NM_145159.3); short protein forms G429R, G467R.
Identifiers: ClinVar variation 3391565 (VCV003391565.1).

ClinVar aggregate classification (germline): Uncertain significance (1 of 4 stars; one submission).

gnomAD v4.1: 7 of 1,590,926 alleles (0.00044%); highest among the groups gnomAD compares: East Asian, 0.0023%; no homozygotes.

Submission:

GeneDx
Classification: Uncertain significance. Last evaluated: 2024-06-17. Review status: criteria provided, single submitter. Criteria: GeneDx Variant Classification Process June 2021. Collection method: clinical testing. Allele origin: germline. Affected: yes.
Comment: Not observed at significant frequency in large population cohorts (gnomAD); In silico analysis supports that this missense variant has a deleterious effect on protein structure/function; Has not been previously published as pathogenic or benign to our knowledge